The following is an entry in ClinVar:

NM_001358530.2(MOCS1):c.1211del (p.Pro404fs)

Gene: MOCS1 (molybdenum cofactor synthesis 1; minus strand). Cytogenetic location: 6p21.2.
Variant type: Deletion.
Coding change: c.1211del on transcript NM_001358530.2 (MANE Select); coding-DNA position 1211, one base deleted (C; older notation c.1211delC).
Protein change: p.Pro404fs; shifts the reading frame from proline 404.
Molecular consequence: frameshift variant. On other transcripts: 3 prime UTR variant (4), non-coding transcript variant (1).
Genome position (GRCh38, 1-based): chr6:39,907,057, G deleted on the plus strand (C on the coding strand, the reverse complement: MOCS1 is on the minus strand); the first of 3 consecutive G bases (chr6:39,907,057-39,907,059); deleting any one gives the same sequence. VCF-style (leftmost placement, unchanged base first): chr6-39907056-CG-C. GRCh37 (hg19) VCF-style: chr6-39874832-CG-C.
Other names: c.*68del (NM_001075098.4, NM_001358533.2, NM_001358534.2 and 1 more transcripts); c.1163del, p.Pro388fs (NM_001358529.2); c.950del, p.Pro317fs (NM_001358531.2); short protein forms P388fs, P317fs, P404fs.
Identifiers: ClinVar variation 2585415 (VCV002585415.1), dbSNP rs2482260619, ClinGen allele CA2582341695.

ClinVar aggregate classification (germline): Uncertain significance (1 of 4 stars; one submission).

Conditions:
Sulfite oxidase deficiency due to molybdenum cofactor deficiency type A. Also called: Molybdenum cofactor deficiency, complementation group A; Molybdenum Cofactor Deficiency A. Identifiers: Orphanet 308386, Orphanet 833, MedGen C1854988, MONDO:0009643, OMIM 252150.

Submission:

Neuberg Centre For Genomic Medicine, NCGM
Classification: Uncertain significance for Sulfite oxidase deficiency due to molybdenum cofactor deficiency type A. Review status: criteria provided, single submitter. Criteria: ACMG Guidelines, 2015. Collection method: clinical testing. Allele origin: germline. Inheritance: Autosomal recessive inheritance. Affected: yes.
Comment: The frame shift c.1211del (p.Pro404ArgfsTer7) variant in MOCS1 gene has not been reported previously as a pathogenic variant nor as a benign variant, to our knowledge. The p.Pro404ArgfsTer7 variant is novel (not in any individuals) in gnomAD Exomes and in 1000 Genomes. This variant causes a frameshift starting with codon Proline 404, changes this amino acid to Arginine residue, and creates a premature Stop codon at position 7 of the new reading frame, denoted p.Pro404ArgfsTer7. Loss of function variants have been previously reported to be disease causing. Since, this variant is present in the last exon, functional studies will be required to prove protein truncation. For these reasons, this variant has been classified as Uncertain Significance.